The following is an entry in ClinVar:

ClinVar aggregate classification (germline): Conflicting classifications of pathogenicity. Review status: criteria provided, conflicting classifications (1 of 4 stars). 10 submissions from 10 submitters: Uncertain significance (5); Likely benign (5). Last evaluated 2026-02-17.

Conditions:
Wolfram syndrome 1 (WFS1). Identifiers: Orphanet 3463, MedGen C4551693, MONDO:0009101, OMIM 222300.
Wolfram-like syndrome. Also called: HEARING LOSS, PROGRESSIVE, WITH OPTIC ATROPHY AND/OR IMPAIRED GLUCOSE REGULATION. Identifiers: Orphanet 411590, MedGen C3280358, MONDO:0013673, OMIM 614296.
Type 2 diabetes mellitus. Also called: Type II diabetes mellitus. Identifiers: MedGen C0011860, MeSH D003924, MONDO:0005148, OMIM 125853, HP:0005978.
Autosomal dominant nonsyndromic hearing loss 6 (LFSNHL). Also called: DEAFNESS, AUTOSOMAL DOMINANT 6; Autosomal dominant nonsyndromic deafness 6; DEAFNESS, AUTOSOMAL DOMINANT 14; DEAFNESS, AUTOSOMAL DOMINANT 38. Identifiers: Orphanet 90635, MedGen C1833021, MONDO:0010963, OMIM 600965.
Cataract 41 (CTRCT41). Also called: CATARACT 41, CONGENITAL NUCLEAR TYPE. Identifiers: Orphanet 91492, Orphanet 98991, Orphanet 98992, Orphanet 98995, MedGen C3805412, MONDO:0007287, OMIM 116400.
WFS1-related disorder. Identifiers: MedGen CN379391, MONDO:0700293.

Allele frequency attached by ClinVar (database versions not stated): ESP Exome Variant Server 0.00016; 1000 Genomes Project 30x 0.00031; 1000 Genomes Project 0.00040; TOPMed 0.00048.
gnomAD v4.1: 140 of 1,575,886 alleles (0.0089%); highest among the groups gnomAD compares: African/African-American, 0.13%; no homozygotes.

Submissions (10):

Women's Health and Genetics/Laboratory Corporation of America, LabCorp
Classification: Likely benign. Last evaluated: 2026-02-17. Review status: criteria provided, single submitter. Criteria: LabCorp Variant Classification Summary - May 2015. Collection method: clinical testing. Allele origin: germline.
Comment: Variant summary: WFS1 c.154C>A (p.Pro52Thr) results in a non-conservative amino acid change in the encoded protein sequence. Algorithms developed to predict the effect of missense changes on protein structure and function are either unavailable or do not agree on the potential impact of this missense change. The variant allele was found at a frequency of 8.9e-05 in 1575886 control chromosomes, predominantly at a frequency of 0.0013 within the Non-Finnish European subpopulation in the gnomAD database v4. This frequency is not significantly higher than estimated for disease-causing variants in WFS1, allowing no conclusion about variant significance. To our knowledge, no occurrence of c.154C>A in individuals affected with WFS1-related conditions and no experimental evidence demonstrating its impact on protein function have been reported. ClinVar contains an entry for this variant (Variation ID: 593883). Based on the evidence outlined above, the variant was classified as likely benign.

Labcorp Genetics (formerly Invitae), Labcorp
Classification: Likely benign. Last evaluated: 2026-01-05. Review status: criteria provided, single submitter. Criteria: Invitae Variant Classification Sherloc (09022015). Collection method: clinical testing. Allele origin: germline.

PreventionGenetics, part of Exact Sciences
Classification: Uncertain significance for WFS1-related condition. Last evaluated: 2025-01-03. Review status: criteria provided, single submitter. Criteria: ACMG Guidelines, 2015. Collection method: clinical testing. Allele origin: germline.
Comment: The WFS1 c.154C>A variant is predicted to result in the amino acid substitution p.Pro52Thr. To our knowledge, this variant has not been reported in the literature. This variant is reported in 0.084% of alleles in individuals of African descent in gnomAD. At this time, the clinical significance of this variant is uncertain due to the absence of conclusive functional and genetic evidence.

Blueprint Genetics
Classification: Uncertain significance. Last evaluated: 2024-10-03. Review status: criteria provided, single submitter. Criteria: ACMG Guidelines, 2015. Collection method: clinical testing. Allele origin: germline.

Fulgent Genetics
Classification: Likely benign for Cataract 41; Type 2 diabetes mellitus; Wolfram syndrome 1; Autosomal dominant nonsyndromic hearing loss 6; Wolfram-like syndrome. Last evaluated: 2024-06-24. Review status: criteria provided, single submitter. Criteria: ACMG Guidelines, 2015. Collection method: clinical testing. Allele origin: germline.

Mayo Clinic Laboratories, Mayo Clinic
Classification: Uncertain significance. Last evaluated: 2023-11-22. Review status: criteria provided, single submitter. Criteria: ACMG Guidelines, 2015. Collection method: clinical testing. Allele origin: germline. Observed: 1 variant allele.
Comment: BP4

GeneDx
Classification: Uncertain significance. Last evaluated: 2021-08-19. Review status: criteria provided, single submitter. Criteria: GeneDx Variant Classification Process June 2021. Collection method: clinical testing. Allele origin: germline. Affected: yes.
Comment: Has not been previously published as pathogenic or benign to our knowledge; In silico analysis supports that this missense variant does not alter protein structure/function

ARUP Laboratories, Molecular Genetics and Genomics, ARUP Laboratories
Classification: Likely benign. Last evaluated: 2019-09-12. Review status: criteria provided, single submitter. Criteria: ARUP Molecular Germline Variant Investigation Process. Collection method: clinical testing. Allele origin: germline.

Eurofins Ntd Llc (ga)
Classification: Uncertain significance. Last evaluated: 2017-09-18. Review status: criteria provided, single submitter. Criteria: EGL Classification Definitions 2015. Collection method: clinical testing. Allele origin: germline. Observed: 1 variant allele, 1 heterozygote.

Clinical Genomics, Uppaluri K&H Personalized Medicine Clinic
Classification: Likely benign for Wolfram syndrome 1. Review status: criteria provided, single submitter. Criteria: K & H Uppaluri Personalized Medicine Clinic Variant Classification & Assertion Criteria_Updated V.1. Collection method: research. Allele origin: unknown. Inheritance: Autosomal recessive inheritance.
Comment: Potent mutations in WFS1 gene are associated with Wolfram's syndrome, an autosomal recessive condition, which cause diabetes mellitus, diabetes insipidus, deafness and optic atrophy. However no sufficient evidence is found to ascertain the role of this particular variant rs111773340 in Wolfram's syndrome yet.

Literature cited by the submitters: PubMed 20738327 (cited by Clinical Genomics, Uppaluri K&H Personalized Medicine Clinic); PubMed 33879153 (cited by Clinical Genomics, Uppaluri K&H Personalized Medicine Clinic); PubMed 12955714 (cited by Clinical Genomics, Uppaluri K&H Personalized Medicine Clinic); PubMed 18060660 (cited by Clinical Genomics, Uppaluri K&H Personalized Medicine Clinic); PubMed 20301750 (cited by Clinical Genomics, Uppaluri K&H Personalized Medicine Clinic); PubMed 17603484 (cited by Clinical Genomics, Uppaluri K&H Personalized Medicine Clinic).

NM_006005.3(WFS1):c.154C>A (p.Pro52Thr)

Gene: WFS1 (wolframin ER transmembrane glycoprotein; plus strand). Cytogenetic location: 4p16.1.
Variant type: single nucleotide variant.
Coding change: c.154C>A on transcript NM_006005.3 (MANE Select); coding-DNA position 154, C replaced by A.
Protein change: p.Pro52Thr; replaces proline 52 with threonine.
Molecular consequence: missense variant.
Genome position (GRCh38, 1-based): chr4:6,277,609, C>A. VCF-style: chr4-6277609-C-A. GRCh37 (hg19) VCF-style: chr4-6279336-C-A.
Other names: p.Pro52Thr; c.154C>A, p.Pro52Thr (NM_001145853.1); short protein forms P52T.
Identifiers: ClinVar variation 593883 (VCV000593883.30), dbSNP rs111773340, ClinGen allele CA2838807.